The following is an entry in ClinVar:

NM_002529.4(NTRK1):c.254G>T (p.Arg85Leu)

Gene: NTRK1 (neurotrophic receptor tyrosine kinase 1; plus strand). Cytogenetic location: 1q23.1.
Variant type: single nucleotide variant.
Coding change: c.254G>T on transcript NM_002529.4 (MANE Select); coding-DNA position 254, G replaced by T.
Protein change: p.Arg85Leu; replaces arginine 85 with leucine.
Molecular consequence: missense variant.
Genome position (GRCh38, 1-based): chr1:156,864,395, G>T. VCF-style: chr1-156864395-G-T. GRCh37 (hg19) VCF-style: chr1-156834187-G-T.
Other names: c.164G>T, p.Arg55Leu (NM_001007792.1); c.254G>T, p.Arg85Leu (NM_001012331.2); short protein forms R55L, R85L.
Identifiers: ClinVar variation 991732 (VCV000991732.3), dbSNP rs79678945, ClinGen allele CA1168869.
Genomic context (GRCh38, chr1:156,864,395, plus strand): 5'-CCATCCGCTCTCCCCACAGCTACATCGAGAACCAGCAGCATCTGCAGCATCTGGAGCTCC[G>T]TGATCTGAGGGGCCTGGGGGAGCTGAGAAACCTGTGAGGGAAACGGGGACTGTGGGTGTG-3'
Protein context (NP_002520.2, residues 75-95): NQQHLQHLEL[Arg85Leu]DLRGLGELRN

ClinVar aggregate classification (germline): Uncertain significance. Review status: criteria provided, single submitter (1 of 4 stars). 2 submissions from 2 submitters: Uncertain significance (1). 1 of the submissions does not count toward it. Last evaluated 2022-01-11.

Conditions:
Hereditary insensitivity to pain with anhidrosis (CIPA). Also called: INSENSITIVITY TO PAIN, CONGENITAL, WITH ANHIDROSIS; NTRK1 Congenital Insensitivity to Pain with Anhidrosis; HSAN Type IV; FAMILIAL DYSAUTONOMIA, TYPE II; hereditary sensory and autonomic neuropathy type 4; NEUROPATHY, CONGENITAL SENSORY, WITH ANHIDROSIS. Identifiers: Orphanet 642, MedGen C0020074, MONDO:0009746, OMIM 256800.

gnomAD v4.1: 27 of 1,614,146 alleles (0.0017%); highest among the groups gnomAD compares: South Asian, 0.026%; no homozygotes.

Submissions (2):

Labcorp Genetics (formerly Invitae), Labcorp
Classification: Uncertain significance for Hereditary insensitivity to pain with anhidrosis. Last evaluated: 2022-01-11. Review status: criteria provided, single submitter. Criteria: Invitae Variant Classification Sherloc (09022015). Collection method: clinical testing. Allele origin: germline.
Comment: This sequence change replaces arginine, which is basic and polar, with leucine, which is neutral and non-polar, at codon 85 of the NTRK1 protein (p.Arg85Leu). This variant is present in population databases (rs79678945, gnomAD 0.03%). This variant has not been reported in the literature in individuals affected with NTRK1-related conditions. ClinVar contains an entry for this variant (Variation ID: 991732). Advanced modeling of protein sequence and biophysical properties (such as structural, functional, and spatial information, amino acid conservation, physicochemical variation, residue mobility, and thermodynamic stability) performed at Invitae indicates that this missense variant is not expected to disrupt NTRK1 protein function. In summary, the available evidence is currently insufficient to determine the role of this variant in disease. Therefore, it has been classified as a Variant of Uncertain Significance.

Natera, Inc.
Classification: Uncertain significance for Hereditary insensitivity to pain with anhidrosis. Last evaluated: 2020-04-17. Review status: no assertion criteria provided. Collection method: clinical testing. Allele origin: germline. Not counted in ClinVar's aggregate classification.